The following is an entry in ClinVar:

NM_000726.5(CACNB4):c.517G>A (p.Gly173Arg)

Gene: CACNB4 (calcium voltage-gated channel auxiliary subunit beta 4; minus strand). Cytogenetic location: 2q23.3.
Variant type: single nucleotide variant.
Coding change: c.517G>A on transcript NM_000726.5 (MANE Select); coding-DNA position 517, G replaced by A.
Protein change: p.Gly173Arg; replaces glycine 173 with arginine.
Molecular consequence: missense variant. On other transcripts: 5 prime UTR variant (2).
Genome position (GRCh38, 1-based): chr2:151,876,430, C>T on the plus strand (G>A on the coding strand, the complement: CACNB4 is on the minus strand). VCF-style: chr2-151876430-C-T. GRCh37 (hg19) VCF-style: chr2-152732944-C-T.
Other names: p.G173R:GGA>AGA; c.463G>A, p.Gly155Arg (NM_001005746.4, NM_001330113.2); c.415G>A, p.Gly139Arg (NM_001005747.4, NM_001330115.2); c.517G>A, p.Gly173Arg (NM_001145798.3); c.376G>A, p.Gly126Arg (NM_001320722.3, NM_001330116.2, NM_001330118.2); c.-118G>A (NM_001330114.2); c.-42G>A (NM_001330117.2); short protein forms G173R, G155R, G126R, G139R.
Identifiers: ClinVar variation 204927 (VCV000204927.6), dbSNP rs796052287, ClinGen allele CA313382.
Genomic context (GRCh38, chr2:151,876,430, plus strand): 5'-AAATATCACCCAATTTTCTGACCAAAAAAAAGTGCATAGAAAAGATGGGAACGTACCCTC[C>T]GTGAAAACGTCCTCTTTTTTGTTCTTGCTGGATCCGTATGTTCTCCAATCTGAGTGGACT-3'
Protein context (NP_000717.2, residues 163-183): QQEQKRGRFH[Gly173Arg]GKSSGNSSSS

ClinVar aggregate classification (germline): Uncertain significance. Review status: criteria provided, multiple submitters, no conflicts (2 of 4 stars). 2 submissions from 2 submitters: Uncertain significance (2). Last evaluated 2016-08-30.

Allele frequency attached by ClinVar (database versions not stated): gnomAD exomes below 0.00001; TOPMed below 0.00001.
gnomAD v4.1: 6 of 1,594,284 alleles (0.00038%); highest among the groups gnomAD compares: Non-Finnish European, 0.00026%; no homozygotes.

Submissions (2):

Eurofins Ntd Llc (ga)
Classification: Uncertain significance. Last evaluated: 2016-08-30. Review status: criteria provided, single submitter. Criteria: EGL Classification Definitions 2015. Collection method: clinical testing. Allele origin: germline. Observed: 1 variant allele, 1 heterozygote.

GeneDx
Classification: Uncertain significance. Last evaluated: 2015-11-24. Review status: criteria provided, single submitter. Criteria: GeneDx Variant Classification (06012015). Collection method: clinical testing. Allele origin: germline. Affected: yes.
Comment: p.Gly173Arg (GGA>AGA): c.517 G>A in exon 5 of the CACNB4 gene (NM_000726.2). The Gly173Arg missense change has not been published as a mutation, nor has it been reported as a benign polymorphism to our knowledge. The NHLBI ESP Exome Variant Project has not identified Gly173Arg in approximately 6,000 individuals of European or African American ethnicity, indicating that it is not a common benign variant in these populations. The amino acid substitution is non-conservative, in that an uncharged, non-polar Glycine residue is replaced by a positively charged, polar Arginine residue. Gly173Arg alters a position in the CACNB4 protein that is well-conserved and multiple in silico algorithms predict it may be damaging to the structure/function of the protein. However, other missense mutations have not been reported in this region of the protein. Therefore, based on the currently available information, it is unclear whether Gly173Arg is a disease-causing mutation or a rare benign variant. The variant is found in EPILEPSY panel(s).